The following is an entry in ClinVar:

NM_014908.4(DOLK):c.1588C>G (p.Leu530Val)

Gene: DOLK (dolichol kinase; minus strand). Cytogenetic location: 9q34.11.
Variant type: single nucleotide variant.
Coding change: c.1588C>G on transcript NM_014908.4 (MANE Select); coding-DNA position 1588, C replaced by G.
Protein change: p.Leu530Val; replaces leucine 530 with valine.
Molecular consequence: missense variant.
Genome position (GRCh38, 1-based): chr9:128,945,716, G>C on the plus strand (C>G on the coding strand, the complement: DOLK is on the minus strand). VCF-style: chr9-128945716-G-C. GRCh37 (hg19) VCF-style: chr9-131707995-G-C.
Other names: short protein forms L530V.
Identifiers: ClinVar variation 4613986 (VCV004613986.1).

ClinVar aggregate classification (germline): Uncertain significance (1 of 4 stars; one submission).

Conditions:
Cardiovascular phenotype. Identifiers: MedGen CN230736.

Submission:

Ambry Genetics
Classification: Uncertain significance for Cardiovascular phenotype. Last evaluated: 2025-10-05. Review status: criteria provided, single submitter. Criteria: Ambry Variant Classification Scheme 2023. Collection method: clinical testing. Allele origin: germline.
Comment: The p.L530V variant (also known as c.1588C>G), located in coding exon 1 of the DOLK gene, results from a C to G substitution at nucleotide position 1588. The leucine at codon 530 is replaced by valine, an amino acid with highly similar properties. This amino acid position is conserved. In addition, the in silico prediction for this alteration is inconclusive. Based on the available evidence, the clinical significance of this variant remains unclear.